The following is an entry in ClinVar:

ClinVar aggregate classification (germline): Uncertain significance (1 of 4 stars; one submission).

Conditions:
Pancreatic adenocarcinoma. Identifiers: MedGen C0281361, MONDO:0006047, HP:0006725.

Submission:

Labcorp Genetics (formerly Invitae), Labcorp
Classification: Uncertain significance for Pancreatic adenocarcinoma. Last evaluated: 2024-06-12. Review status: criteria provided, single submitter. Criteria: Invitae Variant Classification Sherloc (09022015). Collection method: clinical testing. Allele origin: germline.
Comment: This sequence change creates a premature translational stop signal (p.Pro283Asnfs*17) in the PALLD gene. It is expected to result in an absent or disrupted protein product. However, the current clinical and genetic evidence is not sufficient to establish whether loss-of-function variants in PALLD cause disease. This variant is not present in population databases (gnomAD no frequency). This variant has not been reported in the literature in individuals affected with PALLD-related conditions. In summary, the available evidence is currently insufficient to determine the role of this variant in disease. Therefore, it has been classified as a Variant of Uncertain Significance.

NM_001166108.2(PALLD):c.2358_2359insAATGGCACATTCCACATTT (p.Pro787fs)

Genes: CBR4 (carbonyl reductase 4; minus strand), PALLD (palladin, cytoskeletal associated protein; plus strand). Cytogenetic location: 4q32.3.
Variant type: Insertion.
Coding change: c.2358_2359insAATGGCACATTCCACATTT on transcript NM_001166108.2 (MANE Select); coding-DNA positions 2358 to 2359, AATGGCACATTCCACATTT inserted.
Protein change: p.Pro787fs; shifts the reading frame from proline 787.
Molecular consequence: frameshift variant.
Genome position: GRCh38 VCF-style: chr4-168898600-G-GAATGGCACATTCCACATTT. GRCh37 (hg19) VCF-style: chr4-169819751-G-GAATGGCACATTCCACATTT.
Other names: c.1161_1162insAATGGCACATTCCACATTT, p.Pro388fs (NM_001166109.2); c.846_847insAATGGCACATTCCACATTT, p.Pro283fs (NM_001166110.2); c.186_187insAATGGCACATTCCACATTT, p.Pro63fs (NM_001367567.1, NM_001367569.1); c.237_238insAATGGCACATTCCACATTT, p.Pro80fs (NM_001367568.1, NM_001367570.1); c.2307_2308insAATGGCACATTCCACATTT, p.Pro770fs (NM_016081.4); short protein forms P283fs, P388fs, P63fs, P770fs, P80fs, P787fs.
Identifiers: ClinVar variation 3656416 (VCV003656416.2).